The following is an entry in ClinVar:

ClinVar aggregate classification (germline): Conflicting classifications of pathogenicity. Review status: criteria provided, conflicting classifications (1 of 4 stars). 4 submissions from 4 submitters: Uncertain significance (3); Likely benign (1). Last evaluated 2025-01-13.

Conditions:
Inborn genetic diseases. Identifiers: MedGen C0950123, MeSH D030342.

Allele frequency attached by ClinVar (database versions not stated): TOPMed 0.00032.
gnomAD v4.1: 570 of 1,613,748 alleles (0.035%); highest among the groups gnomAD compares: Non-Finnish European, 0.045%; no homozygotes.

Submissions (4):

Labcorp Genetics (formerly Invitae), Labcorp
Classification: Uncertain significance. Last evaluated: 2025-01-13. Review status: criteria provided, single submitter. Criteria: Invitae Variant Classification Sherloc (09022015). Collection method: clinical testing. Allele origin: germline.
Comment: This sequence change replaces arginine with glutamine at codon 240 of the UNC45A protein (p.Arg240Gln). The arginine residue is weakly conserved and there is a small physicochemical difference between arginine and glutamine. This variant is present in population databases (rs145502142, gnomAD 0.04%). This variant has not been reported in the literature in individuals affected with UNC45A-related conditions. ClinVar contains an entry for this variant (Variation ID: 999258). Invitae Evidence Modeling of protein sequence and biophysical properties (such as structural, functional, and spatial information, amino acid conservation, physicochemical variation, residue mobility, and thermodynamic stability) indicates that this missense variant is not expected to disrupt UNC45A protein function with a negative predictive value of 80%. In summary, the available evidence is currently insufficient to determine the role of this variant in disease. Therefore, it has been classified as a Variant of Uncertain Significance.

CeGaT Center for Human Genetics Tuebingen
Classification: Likely benign. Last evaluated: 2022-08-01. Review status: criteria provided, single submitter. Criteria: CeGaT Center For Human Genetics Tuebingen Variant Classification Criteria Version 2. Collection method: clinical testing. Allele origin: germline. Affected: yes. Observed: 1 variant allele.
Comment: UNC45A: BP4

Ambry Genetics
Classification: Uncertain significance for Inborn genetic diseases. Last evaluated: 2021-06-18. Review status: criteria provided, single submitter. Criteria: Ambry Variant Classification Scheme 2023. Collection method: clinical testing. Allele origin: germline.

Breakthrough Genomics
Classification: Uncertain significance. Review status: criteria provided, single submitter. Criteria: ACMG Guidelines, 2015. Collection method: not provided. Allele origin: germline. Inheritance: Autosomal recessive inheritance. Affected: yes.

NM_018671.5(UNC45A):c.719G>A (p.Arg240Gln)

Gene: UNC45A (unc-45 myosin chaperone A; plus strand). Cytogenetic location: 15q26.1.
Variant type: single nucleotide variant.
Coding change: c.719G>A on transcript NM_018671.5 (MANE Select); coding-DNA position 719, G replaced by A.
Protein change: p.Arg240Gln; replaces arginine 240 with glutamine.
Molecular consequence: missense variant.
Genome position (GRCh38, 1-based): chr15:90,942,468, G>A. VCF-style: chr15-90942468-G-A. GRCh37 (hg19) VCF-style: chr15-91485698-G-A.
Other names: c.674G>A, p.Arg225Gln (NM_001039675.2, NM_001323621.2); c.719G>A, p.Arg240Gln (NM_001323619.1); c.284G>A, p.Arg95Gln (NM_001323620.2); c.719G>A (NM_018671.3); short protein forms R225Q, R240Q, R95Q.
Identifiers: ClinVar variation 999258 (VCV000999258.30), dbSNP rs145502142, ClinGen allele CA7742652.
Genomic context (GRCh38, chr15:90,942,468, plus strand): 5'-CTTCCTTCTGTTTACCTCTCCCACCCCAGACAGTGGCAACCCTGAGCATACTGGGAACTC[G>A]GCGAGTAGTCTCCATCCTGGGCGTGGAAAGCCAGGCTGTGTCCCTGGCTGCCTGCCACCT-3'
Protein context (NP_061141.2, residues 230-250): TVATLSILGT[Arg240Gln]RVVSILGVES